The following is an entry in ClinVar:

NM_001042681.2(RERE):c.1917A>C (p.Glu639Asp)

Gene: RERE (arginine-glutamic acid dipeptide repeats; minus strand). Cytogenetic location: 1p36.23.
Variant type: single nucleotide variant.
Coding change: c.1917A>C on transcript NM_001042681.2 (MANE Select); coding-DNA position 1917, A replaced by C.
Protein change: p.Glu639Asp; replaces glutamic acid 639 with aspartic acid.
Molecular consequence: missense variant.
Genome position (GRCh38, 1-based): chr1:8,361,862, T>G on the plus strand (A>C on the coding strand, the complement: RERE is on the minus strand). VCF-style: chr1-8361862-T-G. GRCh37 (hg19) VCF-style: chr1-8421922-T-G.
Other names: c.255A>C, p.Glu85Asp (NM_001042682.2); c.1917A>C, p.Glu639Asp (NM_012102.4); short protein forms E639D, E85D.
Identifiers: ClinVar variation 4527264 (VCV004527264.1).

ClinVar aggregate classification (germline): Uncertain significance (1 of 4 stars; one submission).

Submission:

GeneDx
Classification: Uncertain significance. Last evaluated: 2025-04-21. Review status: criteria provided, single submitter. Criteria: GeneDx Variant Classification Process June 2021. Collection method: clinical testing. Allele origin: germline. Affected: yes.
Comment: Not observed at significant frequency in large population cohorts (gnomAD); In silico analysis indicates that this missense variant does not alter protein structure/function; Has not been previously published as pathogenic or benign to our knowledge